The following is an entry in ClinVar:

NC_000019.10:g.48965094C>T

Gene: FTL (ferritin light chain; plus strand). Cytogenetic location: 19q13.33.
Variant type: single nucleotide variant.
Genome position: GRCh38 VCF-style: chr19-48965094-C-T. GRCh37 (hg19) VCF-style: chr19-49468351-C-T.
Identifiers: ClinVar variation 4988756 (VCV004988756.1).
Genomic context (GRCh38, chr19:48,965,094, plus strand): 5'-CCCCACCCTCCCGCCCACGAACCCCTGCATTTCCAGAATCAGCCCCAGGGCCCCAACCCC[C>T]CCAAGCCCCCATTTCACAACACGCTGGCGCTACAGGCGCGTGACTTCCCCTTGCTTTGGG-3'

ClinVar aggregate classification (germline): Likely benign (1 of 4 stars; one submission).

Conditions:
FTL-related disorder. Also called: FTL-related condition.

Submission:

PreventionGenetics, part of Exact Sciences
Classification: Likely benign for FTL-related condition. Last evaluated: 2026-03-11. Review status: criteria provided, single submitter. Criteria: ACMG Guidelines, 2015. Collection method: clinical testing. Allele origin: germline.
Comment: This variant is classified as likely benign based on ACMG/AMP sequence variant interpretation guidelines (Richards et al. 2015 PMID: 25741868, with internal and published modifications).